The following is an entry in ClinVar:

ClinVar aggregate classification (germline): Uncertain significance. Review status: criteria provided, multiple submitters, no conflicts (2 of 4 stars). 2 submissions from 2 submitters: Uncertain significance (2). Last evaluated 2023-06-09.

Allele frequency attached by ClinVar (database versions not stated): gnomAD 0.00001; TOPMed 0.00001.
gnomAD v4.1: 55 of 1,614,054 alleles (0.0034%); highest among the groups gnomAD compares: Non-Finnish European, 0.0044%; no homozygotes.

Submissions (2):

GeneDx
Classification: Uncertain significance. Last evaluated: 2023-06-09. Review status: criteria provided, single submitter. Criteria: GeneDx Variant Classification Process June 2021. Collection method: clinical testing. Allele origin: germline. Affected: yes.
Comment: Not observed at significant frequency in large population cohorts (gnomAD); In silico analysis supports that this missense variant has a deleterious effect on protein structure/function; Has not been previously published as pathogenic or benign to our knowledge

Labcorp Genetics (formerly Invitae), Labcorp
Classification: Uncertain significance. Last evaluated: 2022-07-05. Review status: criteria provided, single submitter. Criteria: Invitae Variant Classification Sherloc (09022015). Collection method: clinical testing. Allele origin: germline.
Comment: ClinVar contains an entry for this variant (Variation ID: 1203447). In summary, the available evidence is currently insufficient to determine the role of this variant in disease. Therefore, it has been classified as a Variant of Uncertain Significance. Algorithms developed to predict the effect of missense changes on protein structure and function are either unavailable or do not agree on the potential impact of this missense change (SIFT: "Deleterious"; PolyPhen-2: "Probably Damaging"; Align-GVGD: "Class C0"). This variant has not been reported in the literature in individuals affected with DFNA5-related conditions. This variant is present in population databases (rs772165478, gnomAD 0.002%). This sequence change replaces leucine, which is neutral and non-polar, with proline, which is neutral and non-polar, at codon 327 of the DFNA5 protein (p.Leu327Pro).

NM_001127453.2(GSDME):c.980T>C (p.Leu327Pro)

Gene: GSDME (gasdermin E; minus strand). Cytogenetic location: 7p15.3.
Variant type: single nucleotide variant.
Coding change: c.980T>C on transcript NM_001127453.2 (MANE Select); coding-DNA position 980, T replaced by C.
Protein change: p.Leu327Pro; replaces leucine 327 with proline.
Molecular consequence: missense variant.
Genome position (GRCh38, 1-based): chr7:24,708,137, A>G on the plus strand (T>C on the coding strand, the complement: GSDME is on the minus strand). VCF-style: chr7-24708137-A-G. GRCh37 (hg19) VCF-style: chr7-24747756-A-G.
Other names: c.488T>C, p.Leu163Pro (NM_001127454.2); c.980T>C, p.Leu327Pro (NM_004403.3); short protein forms L163P, L327P.
Identifiers: ClinVar variation 1203447 (VCV001203447.12), dbSNP rs772165478, ClinGen allele CA4191486.
Genomic context (GRCh38, chr7:24,708,137, plus strand): 5'-TTCCAGAAAACCCCAGTGAAAACACTGCCTTGAGATGTCTCAGGGCTCACCACTGGTTCC[A>G]GGACCATGAGTAGTTCATCATCAAATAGGACCGCCTGGAAGATGTCACTCAAAGCTGTCT-3'
Protein context (NP_001120925.1, residues 317-337): VLFDDELLMV[Leu327Pro]EPVCDDLVSG